The following is an entry in ClinVar:

ClinVar aggregate classification (germline): Uncertain significance. Review status: reviewed by expert panel (3 of 4 stars). 5 submissions from 5 submitters: Uncertain significance (1). 4 of the submissions do not count toward it. Last evaluated 2026-11-03.

Conditions:
DICER1-related tumor predisposition. Also called: DICER1 syndrome; DICER1-related pleuropulmonary blastoma cancer predisposition syndrome. Identifiers: Orphanet 284343, MedGen C3839822, MONDO:0100216.
Hereditary cancer-predisposing syndrome. Also called: Hereditary Cancer Syndrome; Tumor predisposition; Hereditary neoplastic syndrome; Neoplastic Syndromes, Hereditary. Identifiers: Orphanet 140162, MedGen C0027672, MeSH D009386, MONDO:0015356.

Allele frequency attached by ClinVar (database versions not stated): gnomAD exomes 0.00001 and below 0.00001; ExAC 0.00002.
gnomAD v4.1: 3 of 1,611,810 alleles (0.00019%); highest among the groups gnomAD compares: Non-Finnish European, 0.000085%; no homozygotes.

Submissions (5):

ClinGen DICER1 and miRNA-Processing Gene Variant Curation Expert Panel, ClinGen
Classification: Uncertain significance for DICER1-related tumor predisposition. Last evaluated: 2026-11-03. Review status: reviewed by expert panel. Criteria: ClinGen DICER1 and miRNA-Processing Gene Expert Panel Specifications to the ACMG/AMP Variant Interpretation Guidelines for DICER1 Version 1.4. Collection method: curation. Allele origin: germline. Inheritance: Autosomal dominant inheritance.
Comment: The NM_177438.3:c.1745T>C variant in DICER1 is a missense variant predicted to cause substitution of isoleucine by threonine at amino acid 582 (p.Ile582Thr). This variant received a total of 1 phenotype point(s) across 1 unrelated proband meeting DICER1 VCEP phenotype specificity scoring criteria of 1-1.5 points (PS4_Supporting; PMID 26925222). The total allele frequency in gnomAD v4.1.1 is 0.000001861 (3/1611810 alleles) with a highest population minor allele frequency of 0.00003201 (2/62476 alleles) in "remaining" population (PM2_Supporting, BS1, and BA1 are not met). The computational predictor REVEL gives a score of 0.493, which is below the threshold of 0.500, and the splice site predictors SpliceAI and MaxEntScan indicated that the variant has no impact on splicing, evidence that does not predict a damaging effect on DICER1 function (BP4). In summary, this variant meets the criteria to be classified as Uncertain Significance for DICER1-related tumor predisposition based on the ACMG/AMP criteria applied, as specified by the ClinGen DICER1 VCEP: PS4_Supporting, BP4. (VCEP specifications version 1.4.0) Based on Tavtigian et al 2020 (PMID:32720330), the total points applied = 0, which equates to a classification of VUS.

Ambry Genetics
Classification: Uncertain significance for Hereditary cancer-predisposing syndrome. Last evaluated: 2024-03-18. Review status: criteria provided, single submitter. Criteria: Ambry Variant Classification Scheme 2023. Collection method: clinical testing. Allele origin: germline. Not counted in ClinVar's aggregate classification.
Comment: The p.I582T variant (also known as c.1745T>C), located in coding exon 9 of the DICER1 gene, results from a T to C substitution at nucleotide position 1745. The isoleucine at codon 582 is replaced by threonine, an amino acid with similar properties. This amino acid position is highly conserved in available vertebrate species. In addition, this alteration is predicted to be deleterious by in silico analysis. Based on the available evidence, the clinical significance of this alteration remains unclear.

Labcorp Genetics (formerly Invitae), Labcorp
Classification: Uncertain significance for DICER1-related tumor predisposition. Last evaluated: 2021-08-28. Review status: criteria provided, single submitter. Criteria: Invitae Variant Classification Sherloc (09022015). Collection method: clinical testing. Allele origin: germline. Not counted in ClinVar's aggregate classification.
Comment: This sequence change replaces isoleucine with threonine at codon 582 of the DICER1 protein (p.Ile582Thr). The isoleucine residue is highly conserved and there is a moderate physicochemical difference between isoleucine and threonine. This variant is present in population databases (rs749686370, ExAC 0.003%). This missense change has been observed in individual(s) with pleuropulmonary blastoma (PMID: 26925222). ClinVar contains an entry for this variant (Variation ID: 254293). Algorithms developed to predict the effect of missense changes on protein structure and function (SIFT, PolyPhen-2, Align-GVGD) all suggest that this variant is likely to be disruptive. In summary, the available evidence is currently insufficient to determine the role of this variant in disease. Therefore, it has been classified as a Variant of Uncertain Significance.

Foulkes Cancer Genetics LDI, Lady Davis Institute for Medical Research
Classification: Uncertain significance. Last evaluated: 2019-07-01. Review status: criteria provided, single submitter. Criteria: ACMG Guidelines, 2015. Collection method: curation. Allele origin: germline. Affected: yes. Observed: 1 variant allele. Not counted in ClinVar's aggregate classification.
Comment: ACMG criteria met: PP4, BP1

International Pleuropulmonary Blastoma Registry, Children's Hospitals and Clinics of Minnesota
Classification: Uncertain significance for Pleuropulmonary blastoma. Last evaluated: 2014-11-10. Review status: criteria provided, single submitter. Criteria: Submitter's publication. Collection method: clinical testing. Allele origin: germline. Affected: yes. Study: PPB-DICER1 Genetic study. Not counted in ClinVar's aggregate classification.

Literature cited by the submitters: PubMed 26925222 (cited by Labcorp Genetics (formerly Invitae), Labcorp and Foulkes Cancer Genetics LDI, Lady Davis Institute for Medical Research).

NM_177438.3(DICER1):c.1745T>C (p.Ile582Thr)

Gene: DICER1 (dicer 1, ribonuclease III; minus strand). Cytogenetic location: 14q32.13.
Variant type: single nucleotide variant.
Coding change: c.1745T>C on transcript NM_177438.3 (MANE Select); coding-DNA position 1745, T replaced by C.
Protein change: p.Ile582Thr; replaces isoleucine 582 with threonine.
Molecular consequence: missense variant.
Genome position (GRCh38, 1-based): chr14:95,116,460, A>G on the plus strand (T>C on the coding strand, the complement: DICER1 is on the minus strand). VCF-style: chr14-95116460-A-G. GRCh37 (hg19) VCF-style: chr14-95582797-A-G.
Other names: NM_177438.3(DICER1):c.1745T>C; p.Ile582Thr; c.1745T>C, p.Ile582Thr (NM_001195573.1, NM_001271282.3, NM_001291628.2 and 1 more transcripts); short protein forms I582T.
Identifiers: ClinVar variation 254293 (VCV000254293.13), dbSNP rs749686370, ClinGen allele CA7331435.